The following is an entry in ClinVar:

ClinVar aggregate classification (germline): Pathogenic. Review status: criteria provided, multiple submitters, no conflicts (2 of 4 stars). 2 submissions from 2 submitters: Pathogenic (2). Last evaluated 2023-05-08.

Conditions:
Familial adenomatous polyposis 1 (FAP1). Also called: FAMILIAL ADENOMATOUS POLYPOSIS 1, ATTENUATED; POLYPOSIS, ADENOMATOUS INTESTINAL. Identifiers: MedGen C2713442, MONDO:0021056, OMIM 175100. Disease mechanism: loss of function.

Submissions (2):

Myriad Genetics, Inc.
Classification: Pathogenic for Familial adenomatous polyposis 1. Last evaluated: 2023-05-08. Review status: criteria provided, single submitter. Criteria: Myriad Autosomal Dominant, Autosomal Recessive and X-Linked Classification Criteria (2023). Collection method: clinical testing. Allele origin: unknown.
Comment: This variant is considered pathogenic. This variant creates a frameshift predicted to result in premature protein truncation.

Clinical Genetics and Genomics, Karolinska University Hospital
Classification: Pathogenic. Last evaluated: 2017-10-03. Review status: criteria provided, single submitter. Criteria: ACMG Guidelines, 2015. Collection method: clinical testing. Allele origin: germline. Affected: yes. Observed: 2 variant alleles.

NM_000038.6(APC):c.3214del (p.Ser1072fs)

Gene: APC (APC regulator of Wnt signaling pathway; plus strand). Cytogenetic location: 5q22.2.
Variant type: Deletion.
Coding change: c.3214del on transcript NM_000038.6 (MANE Select); coding-DNA position 3214, one base deleted (A; older notation c.3214delA).
Protein change: p.Ser1072fs; shifts the reading frame from serine 1072.
Molecular consequence: frameshift variant.
Genome position (GRCh38, 1-based): chr5:112,838,808, A deleted; the last of 3 consecutive A bases (chr5:112,838,806-112,838,808); deleting any one gives the same sequence. VCF-style (leftmost placement, unchanged base first): chr5-112838805-CA-C. GRCh37 (hg19) VCF-style: chr5-112174502-CA-C.
Other names: c.3214del, p.Ser1072fs (NM_001127510.3, NM_001354895.2); c.3160del, p.Ser1054fs (NM_001127511.3); c.3268del, p.Ser1090fs (NM_001354896.2); c.3244del, p.Ser1082fs (NM_001354897.2); c.3139del, p.Ser1047fs (NM_001354898.2); c.3130del, p.Ser1044fs (NM_001354899.2); c.3091del, p.Ser1031fs (NM_001354900.2); c.3037del, p.Ser1013fs (NM_001354901.2); and 5 more; short protein forms S1013fs, S1031fs, S1044fs, S1047fs, S1054fs, S1072fs, S1082fs, S1090fs.
Identifiers: ClinVar variation 988385 (VCV000988385.2), dbSNP rs1765366028, ClinGen allele CA658760889.